The following is an entry in ClinVar:

ClinVar aggregate classification (germline): Uncertain significance (1 of 4 stars; one submission).

Conditions:
Early-infantile DEE. Also called: Early infantile epileptic encephalopathy; Early infantile epileptic encephalopathy with suppression bursts; Ohtahara syndrome. Identifiers: Orphanet 1934, MedGen C0393706, MONDO:0800491.

Submission:

Labcorp Genetics (formerly Invitae), Labcorp
Classification: Uncertain significance for Early-infantile DEE. Last evaluated: 2022-12-12. Review status: criteria provided, single submitter. Criteria: Invitae Variant Classification Sherloc (09022015). Collection method: clinical testing. Allele origin: germline.
Comment: This sequence change replaces methionine, which is neutral and non-polar, with threonine, which is neutral and polar, at codon 1352 of the SPTAN1 protein (p.Met1352Thr). This variant is not present in population databases (gnomAD no frequency). This variant has not been reported in the literature in individuals affected with SPTAN1-related conditions. Advanced modeling of protein sequence and biophysical properties (such as structural, functional, and spatial information, amino acid conservation, physicochemical variation, residue mobility, and thermodynamic stability) has been performed at Invitae for this missense variant, however the output from this modeling did not meet the statistical confidence thresholds required to predict the impact of this variant on SPTAN1 protein function. In summary, the available evidence is currently insufficient to determine the role of this variant in disease. Therefore, it has been classified as a Variant of Uncertain Significance.

NM_001130438.3(SPTAN1):c.4055T>C (p.Met1352Thr)

Gene: SPTAN1 (spectrin alpha, non-erythrocytic 1; plus strand). Cytogenetic location: 9q34.11.
Variant type: single nucleotide variant.
Coding change: c.4055T>C on transcript NM_001130438.3 (MANE Select); coding-DNA position 4055, T replaced by C.
Protein change: p.Met1352Thr; replaces methionine 1352 with threonine.
Molecular consequence: missense variant.
Genome position (GRCh38, 1-based): chr9:128,607,612, T>C. VCF-style: chr9-128607612-T-C. GRCh37 (hg19) VCF-style: chr9-131369891-T-C.
Other names: c.3995T>C, p.Met1332Thr (NM_001195532.2, NM_001363765.2, NM_001375314.2); c.4055T>C, p.Met1352Thr (NM_001363759.2, NM_001375310.1, NM_001375311.2 and 2 more transcripts); c.4091T>C, p.Met1364Thr (NM_001375312.2, NM_001375318.1); short protein forms M1332T, M1352T, M1364T.
Identifiers: ClinVar variation 2800274 (VCV002800274.3), dbSNP rs1856057975, ClinGen allele CA375065723.